The following is an entry in ClinVar:

NM_020166.5(MCCC1):c.857T>C (p.Ile286Thr)

Gene: MCCC1 (methylcrotonyl-CoA carboxylase subunit 1; minus strand). Cytogenetic location: 3q27.1.
Variant type: single nucleotide variant.
Coding change: c.857T>C on transcript NM_020166.5 (MANE Select); coding-DNA position 857, T replaced by C.
Protein change: p.Ile286Thr; replaces isoleucine 286 with threonine.
Molecular consequence: missense variant. On other transcripts: non-coding transcript variant (2).
Genome position (GRCh38, 1-based): chr3:183,057,327, A>G on the plus strand (T>C on the coding strand, the complement: MCCC1 is on the minus strand). VCF-style: chr3-183057327-A-G. GRCh37 (hg19) VCF-style: chr3-182775115-A-G.
Other names: c.506T>C, p.Ile169Thr (NM_001293273.2); c.530T>C, p.Ile177Thr (NM_001363880.1); short protein forms I169T, I177T, I286T.
Identifiers: ClinVar variation 1215149 (VCV001215149.3), dbSNP rs2108505511, ClinGen allele CA355327651.
Genomic context (GRCh38, chr3:183,057,327, plus strand): 5'-TCACATTACGGAGAAGCTTACAAATTTCTTTCCAAGGTCCTTACCGCTGGGGCCTCCTCA[A>G]TGATCTTCTGATGTCGCCTCTGCACACTACAGTCTCTTTCAAACAAGTACACAGCATTGC-3'
Protein context (NP_064551.3, residues 276-296): CSVQRRHQKI[Ile286Thr]EEAPAPGIKS

ClinVar aggregate classification (germline): Uncertain significance (1 of 4 stars; one submission).

Allele frequency attached by ClinVar (database versions not stated): gnomAD exomes below 0.00001.
gnomAD v4.1: 1 of 1,607,026 alleles (0.000062%); highest among the groups gnomAD compares: Non-Finnish European, 0.000085%; no homozygotes.

Submission:

GeneDx
Classification: Uncertain significance. Last evaluated: 2020-06-03. Review status: criteria provided, single submitter. Criteria: GeneDx Variant Classification Process June 2021. Collection method: clinical testing. Allele origin: germline. Affected: yes.
Comment: Has not been previously published as pathogenic or benign to our knowledge; Not observed in large population cohorts (Lek et al., 2016); In silico analysis, which includes protein predictors and evolutionary conservation, supports a deleterious effect